The following is an entry in ClinVar:

ClinVar aggregate classification (germline): Uncertain significance. Review status: criteria provided, multiple submitters, no conflicts (2 of 4 stars). 2 submissions from 2 submitters: Uncertain significance (2). Last evaluated 2025-10-23.

Conditions:
Hereditary cancer-predisposing syndrome. Also called: Neoplastic Syndromes, Hereditary; Tumor predisposition; Hereditary Cancer Syndrome; Hereditary neoplastic syndrome. Identifiers: Orphanet 140162, MedGen C0027672, MeSH D009386, MONDO:0015356.
Familial cancer of breast. Also called: BREAST CANCER, FAMILIAL; Hereditary breast cancer; hereditary breast carcinoma. Identifiers: Orphanet 227535, MedGen C0346153, MONDO:0016419, OMIM 114480. Disease mechanism: loss of function.

Submissions (2):

Ambry Genetics
Classification: Uncertain significance for Hereditary cancer-predisposing syndrome. Last evaluated: 2025-10-23. Review status: criteria provided, single submitter. Criteria: Ambry Variant Classification Scheme 2023. Collection method: clinical testing. Allele origin: germline.
Comment: The p.Y297D variant (also known as c.889T>G), located in coding exon 7 of the CHEK2 gene, results from a T to G substitution at nucleotide position 889. The tyrosine at codon 297 is replaced by aspartic acid, an amino acid with highly dissimilar properties. This amino acid position is highly conserved in available vertebrate species. In addition, this alteration is predicted to be deleterious by in silico analysis. Since supporting evidence is limited at this time, the clinical significance of this alteration remains unclear.

Labcorp Genetics (formerly Invitae), Labcorp
Classification: Uncertain significance for Familial cancer of breast. Last evaluated: 2025-04-22. Review status: criteria provided, single submitter. Criteria: Invitae Variant Classification Sherloc (09022015). Collection method: clinical testing. Allele origin: germline.
Comment: This sequence change replaces tyrosine, which is neutral and polar, with aspartic acid, which is acidic and polar, at codon 297 of the CHEK2 protein (p.Tyr297Asp). This variant is not present in population databases (gnomAD no frequency). This variant has not been reported in the literature in individuals affected with CHEK2-related conditions. ClinVar contains an entry for this variant (Variation ID: 187209). An algorithm developed to predict the effect of missense changes on protein structure and function (PolyPhen-2) suggests that this variant is likely to be disruptive. In summary, the available evidence is currently insufficient to determine the role of this variant in disease. Therefore, it has been classified as a Variant of Uncertain Significance.

NM_007194.4(CHEK2):c.889T>G (p.Tyr297Asp)

Gene: CHEK2 (checkpoint kinase 2; minus strand). Cytogenetic location: 22q12.1.
Variant type: single nucleotide variant.
Coding change: c.889T>G on transcript NM_007194.4 (MANE Select); coding-DNA position 889, T replaced by G.
Protein change: p.Tyr297Asp; replaces tyrosine 297 with aspartic acid.
Molecular consequence: missense variant.
Genome position (GRCh38, 1-based): chr22:28,703,524, A>C on the plus strand (T>G on the coding strand, the complement: CHEK2 is on the minus strand). VCF-style: chr22-28703524-A-C. GRCh37 (hg19) VCF-style: chr22-29099512-A-C.
Other names: c.1018T>G, p.Tyr340Asp (NM_001005735.3); c.226T>G, p.Tyr76Asp (NM_001257387.3); c.688T>G, p.Tyr230Asp (NM_001349956.3); c.889T>G, p.Tyr297Asp (NM_145862.3); short protein forms Y297D, Y230D, Y76D, Y340D.
Identifiers: ClinVar variation 187209 (VCV000187209.6), dbSNP rs786203554, ClinGen allele CA197018.
Genomic context (GRCh38, chr22:28,703,524, plus strand): 5'-TTTGAATGGAAACAGAAATTTTTAAAAAGTTTACTACTTACAATTCCAAAACAATATAAT[A>C]ATCTTCTGCATCAAAAAAGTTTTTAATCTTGATGATGCAAGGCTAAGAAGAGGGGGAGAA-3'
Protein context (NP_009125.1, residues 287-307): KIKNFFDAED[Tyr297Asp]YIVLELMEGG